The following is an entry in ClinVar:

ClinVar aggregate classification (germline): Uncertain significance. Review status: criteria provided, multiple submitters, no conflicts (2 of 4 stars). 2 submissions from 2 submitters: Uncertain significance (2). Last evaluated 2023-06-13.

Conditions:
Inborn genetic diseases. Identifiers: MedGen C0950123, MeSH D030342.
Epidermodysplasia verruciformis. Identifiers: Orphanet 302, MedGen C0014522, MONDO:0009176.

Allele frequency attached by ClinVar (database versions not stated): 1000 Genomes Project 30x 0.00016; ExAC 0.00005; gnomAD 0.00011; TOPMed 0.00013; ESP Exome Variant Server 0.00016; gnomAD exomes 0.00005; 1000 Genomes Project 0.00020.
gnomAD v4.1: 91 of 1,554,134 alleles (0.0059%); highest among the groups gnomAD compares: African/African-American, 0.029%; no homozygotes.

Submissions (2):

Ambry Genetics
Classification: Uncertain significance for Inborn genetic diseases. Last evaluated: 2023-06-13. Review status: criteria provided, single submitter. Criteria: Ambry Variant Classification Scheme 2023. Collection method: clinical testing. Allele origin: germline.

Labcorp Genetics (formerly Invitae), Labcorp
Classification: Uncertain significance for Epidermodysplasia verruciformis. Last evaluated: 2022-02-10. Review status: criteria provided, single submitter. Criteria: Invitae Variant Classification Sherloc (09022015). Collection method: clinical testing. Allele origin: germline.
Comment: This sequence change replaces arginine, which is basic and polar, with tryptophan, which is neutral and slightly polar, at codon 109 of the TMC6 protein (p.Arg109Trp). This variant is present in population databases (rs375283780, gnomAD 0.04%). This variant has not been reported in the literature in individuals affected with TMC6-related conditions. ClinVar contains an entry for this variant (Variation ID: 1058416). Algorithms developed to predict the effect of missense changes on protein structure and function are either unavailable or do not agree on the potential impact of this missense change (SIFT: "Not Available"; PolyPhen-2: "Probably Damaging"; Align-GVGD: "Not Available"). In summary, the available evidence is currently insufficient to determine the role of this variant in disease. Therefore, it has been classified as a Variant of Uncertain Significance.

NM_001127198.5(TMC6):c.325C>T (p.Arg109Trp)

Gene: TMC6 (transmembrane channel like 6; minus strand). Cytogenetic location: 17q25.3.
Variant type: single nucleotide variant.
Coding change: c.325C>T on transcript NM_001127198.5 (MANE Select); coding-DNA position 325, C replaced by T.
Protein change: p.Arg109Trp; replaces arginine 109 with tryptophan.
Molecular consequence: missense variant.
Genome position (GRCh38, 1-based): chr17:78,125,831, G>A on the plus strand (C>T on the coding strand, the complement: TMC6 is on the minus strand). VCF-style: chr17-78125831-G-A. GRCh37 (hg19) VCF-style: chr17-76121912-G-A.
Other names: c.325C>T, p.Arg109Trp (NM_001321185.1, NM_001374593.1, NM_001374594.1 and 4 more transcripts); c.325C>T (NM_007267.6); short protein forms R109W.
Identifiers: ClinVar variation 1058416 (VCV001058416.5), dbSNP rs375283780, ClinGen allele CA8796164.